The following is an entry in ClinVar:

ClinVar aggregate classification (germline): Pathogenic (1 of 4 stars; one submission).

Submission:

GeneDx
Classification: Pathogenic. Last evaluated: 2017-09-15. Review status: criteria provided, single submitter. Criteria: GeneDx Variant Classification (06012015). Collection method: clinical testing. Allele origin: germline. Affected: yes.
Comment: The C519X nonsense variant in the EXT1 gene has been reported previously in at least one individual with multiple exostoses (Jennes et al., 2008). This variant is predicted to cause loss of normal protein function either through protein truncation or nonsense-mediated mRNA decay. The C519X variant is not observed in large population cohorts (Lek et al., 2016; 1000 Genomes Consortium et al., 2015; Exome Variant Server). Based on currently available evidence, we consider C519X to be pathogenic.

NM_000127.3(EXT1):c.1557T>A (p.Cys519Ter)

Gene: EXT1 (exostosin glycosyltransferase 1; minus strand). Cytogenetic location: 8q24.11.
Variant type: single nucleotide variant.
Coding change: c.1557T>A on transcript NM_000127.3 (MANE Select); coding-DNA position 1557, T replaced by A.
Protein change: p.Cys519Ter; replaces cysteine 519 with a stop codon.
Molecular consequence: nonsense.
Genome position (GRCh38, 1-based): chr8:117,818,510, A>T on the plus strand (T>A on the coding strand, the complement: EXT1 is on the minus strand). VCF-style: chr8-117818510-A-T. GRCh37 (hg19) VCF-style: chr8-118830749-A-T.
Other names: short protein forms C519*.
Identifiers: ClinVar variation 449477 (VCV000449477.2), dbSNP rs1554578706, ClinGen allele CA371883381.
Genomic context (GRCh38, chr8:117,818,510, plus strand): 5'-AATGACGACGACAGGCACAGCAGTGGCAGGCCAGCGGTGTTTGGCTGGTAGGGGCTTGTC[A>T]CAATTCCATAGAACTATGATCTGAAAGGGATGGGGCTCATTAGATGGCTGGGGTAGGATG-3'